The following is an entry in ClinVar:

NM_002472.3(MYH8):c.2021G>A (p.Arg674Gln)

Genes: MYHAS (myosin heavy chain gene cluster antisense RNA; plus strand), MYH8 (myosin heavy chain 8; minus strand). Cytogenetic location: 17p13.1.
Variant type: single nucleotide variant.
Coding change: c.2021G>A on transcript NM_002472.3 (MANE Select); coding-DNA position 2021, G replaced by A.
Protein change: p.Arg674Gln; replaces arginine 674 with glutamine.
Molecular consequence: missense variant.
Genome position (GRCh38, 1-based): chr17:10,406,924, C>T on the plus strand (G>A on the coding strand, the complement: MYH8 is on the minus strand). VCF-style: chr17-10406924-C-T. GRCh37 (hg19) VCF-style: chr17-10310241-C-T.
Other names: short protein forms R674Q.
Identifiers: ClinVar variation 14136 (VCV000014136.59), dbSNP rs121434590, ClinGen allele CA123752.
Genomic context (GRCh38, chr17:10,406,924, plus strand): 5'-TTTGATTATTTCACTCTCTGTGTCTTACCAGGAGTTTTGGTTTCATTGGGAATGATACAC[C>T]GTACGAAGTGAGGGTGTGTGCTCCTCAGATTCGTCATCAATTTATTTAAATTTTCCTAGA-3'
Protein context (NP_002463.2, residues 664-684): NLRSTHPHFV[Arg674Gln]CIIPNETKTP

ClinVar aggregate classification (germline): Conflicting classifications of pathogenicity. Review status: criteria provided, conflicting classifications (1 of 4 stars). 11 submissions from 10 submitters: Pathogenic (8); Uncertain significance (1). 2 of the submissions do not count toward it. Last evaluated 2026-06-26.

Conditions:
MYH8-related disorder. Also called: MYH8-related condition.
Hecht syndrome (DA7). Also called: MOUTH, INABILITY TO OPEN COMPLETELY, AND SHORT FINGER-FLEXOR TENDONS; Dutch-Kentucky syndrome. Identifiers: Orphanet 3377, MedGen C0265226, MONDO:0008016, OMIM 158300. Disease mechanism: gain of function.
Carney complex - trismus - pseudocamptodactyly syndrome. Identifiers: Orphanet 319340, MedGen C1837245, MONDO:0012137, OMIM 608837.

Allele frequency attached by ClinVar (database versions not stated): gnomAD exomes below 0.00001; TOPMed below 0.00001; gnomAD 0.00001.
gnomAD v4.1: 3 of 1,613,870 alleles (0.00019%); highest among the groups gnomAD compares: South Asian, 0.0011%; no homozygotes.

Submissions (11):

Ambry Genetics
Classification: Uncertain significance. Last evaluated: 2026-06-26. Review status: criteria provided, single submitter. Criteria: Ambry Variant Classification Scheme 2023. Collection method: clinical testing. Allele origin: germline.
Comment: The c.2021G>A (p.R674Q) alteration is located in exon 18 (coding exon 16) of the MYH8 gene. This alteration results from a G to A substitution at nucleotide position 2021, causing the arginine (R) at amino acid position 674 to be replaced by a glutamine (Q). Based on data from gnomAD, the A allele has an overall frequency of 0.003% (1/31404) total alleles studied. The highest observed frequency was 0.007% (1/15436) of European (non-Finnish) alleles. Based on insufficient or conflicting evidence, the clinical significance of this alteration remains unclear.

3billion
Classification: Pathogenic for Hecht syndrome. Last evaluated: 2025-04-28. Review status: criteria provided, single submitter. Criteria: ACMG Guidelines, 2015. Collection method: clinical testing. Allele origin: germline. Affected: yes.
Comment: The variant is observed at an extremely low frequency in the gnomAD v4.1.0 dataset (total allele frequency: <0.001%). Predicted Consequence/Location: Missense variant. In silico tool predictions suggest damaging effect of the variant on gene or gene product [REVEL: 0.91 (>=0.6, sensitivity 0.68 and specificity 0.92); 3Cnet: 0.99 (> 0.75, sensitivity 0.96 and precision 0.92)].The same nucleotide change resulting in the same amino acid change has been previously reported as pathogenic/likely pathogenic with strong evidence (ClinVar ID: VCV000014136 / PMID: 15282353). The variant has been reported to co-segregate with the disease in at least 7 similarly affected relatives/individuals in at least two unrelated families (PMID: 15282353, 17041932). Therefore, this variant is classified as Pathogenic according to the recommendation of ACMG/AMP guideline.

GeneDx
Classification: Pathogenic. Last evaluated: 2025-02-16. Review status: criteria provided, single submitter. Criteria: GeneDx Variant Classification Process June 2021. Collection method: clinical testing. Allele origin: germline. Affected: yes.
Comment: Segregates with disease in many affected individuals from several families in published literature (PMID: 15282353, 17041932); It was thought that the combination of these two variants contributed to the more involved phenotype observed in this patient (PMID: 34321323); Not observed at significant frequency in large population cohorts (gnomAD); In silico analysis supports that this missense variant has a deleterious effect on protein structure/function; This variant is associated with the following publications: (PMID: 17041932, 15282353, 18049072, 28377322, 20949528, 33109698, 31630644, 34321323, 35982159)

PreventionGenetics, part of Exact Sciences
Classification: Pathogenic for MYH8-related condition. Last evaluated: 2025-01-07. Review status: criteria provided, single submitter. Criteria: ACMG Guidelines, 2015. Collection method: clinical testing. Allele origin: germline.
Comment: The MYH8 c.2021G>A variant is predicted to result in the amino acid substitution p.Arg674Gln. This variant has been reported in the heterozygous state in many unrelated individuals to be causative for trismus-pseudocamptodactyly syndrome (Veugelers et al 2004. PubMed ID: 15282353; Toydemir et al 2006. PubMed ID:17041932; Minzer-Conzetti et al 2008. PubMed ID: 18049072; Bonapace et al 2010. PubMed ID:20949528). This variant is reported as pathogenic by several outside laboratories in ClinVar and is reported in 0.0065% of alleles in individuals of European (non-Finnish) descent in gnomAD. This variant is interpreted as pathogenic.

Revvity Omics, Revvity
Classification: Pathogenic. Last evaluated: 2022-03-14. Review status: criteria provided, single submitter. Criteria: ACMG Guidelines, 2015. Collection method: clinical testing. Allele origin: germline.

Victorian Clinical Genetics Services, Murdoch Childrens Research Institute
Classification: Pathogenic for Hecht syndrome. Last evaluated: 2022-02-02. Review status: criteria provided, single submitter. Criteria: ACMG Guidelines, 2015. Collection method: clinical testing. Allele origin: germline. Inheritance: Autosomal dominant inheritance.
Comment: Based on the classification scheme VCGS_Germline_v1.3.4, this variant is classified as Pathogenic. Following criteria are met: 0105 - The mechanism of disease for this gene is not clearly established. (I) 0107 - This gene is associated with autosomal dominant disease. (I) 0200 - Variant is predicted to result in a missense amino acid change from arginine to glutamine. (I) 0251 - This variant is heterozygous. (I) 0302 - Variant is present in gnomAD (v3) <0.001 for a dominant condition (2 heterozygotes, 0 homozygotes). (SP) 0309 - An alternative amino acid change at the same position has been observed in gnomAD (v2) (5 heterozygotes, 0 homozygotes). (I) 0501 - Missense variant consistently predicted to be damaging by multiple in silico tools or highly conserved with a major amino acid change. (SP) 0600 - Variant is located in the annotated actin-binding region of the myosin motor domain (UniProt). (I) 0801 - This variant has strong previous evidence of pathogenicity in unrelated individuals. The variant has previously been reported as pathogenic in more than ten unrelated individuals with trismus-pseudocamptodactyly syndrome (MIM#158300) (ClinVar, HGMD, LOVD, PMIDs: 15282353, 17041932, 18049072, 20949528). (SP) 0901 - This variant has strong evidence for segregation with disease. The variant has previously been shown to segregate in affected individuals in several multigenerational families (PMIDs: 15282353, 17041932). (SP) 1208 - Inheritance information for this variant is not currently available in this individual. (I) Legend: (SP) - Supporting pathogenic, (I) - Information, (SB) - Supporting benign

Blueprint Genetics
Classification: Pathogenic for MYH8-related disorders. Last evaluated: 2021-12-01. Review status: criteria provided, single submitter. Criteria: ACMG Guidelines, 2015. Collection method: clinical testing. Allele origin: germline. Affected: yes. Observed: 3 variant alleles.

CeGaT Center for Human Genetics Tuebingen
Classification: Pathogenic. Last evaluated: 2018-07-01. Review status: criteria provided, single submitter. Criteria: CeGaT Center For Human Genetics Tuebingen Variant Classification Criteria Version 2. Collection method: clinical testing. Allele origin: germline. Affected: yes. Observed: 1 variant allele.

Center for Pediatric Genomic Medicine, Children's Mercy Hospital and Clinics
Classification: Pathogenic. Last evaluated: 2016-05-31. Review status: criteria provided, single submitter. Criteria: ACMG Guidelines, 2015. Collection method: clinical testing. Allele origin: germline.

OMIM
Classification: Pathogenic for CARNEY COMPLEX VARIANT. Last evaluated: 2010-11-01. Review status: no assertion criteria provided. Collection method: literature only. Allele origin: germline. Not counted in ClinVar's aggregate classification.

OMIM
Classification: Pathogenic for TRISMUS-PSEUDOCAMPTODACTYLY SYNDROME. Last evaluated: 2010-11-01. Review status: no assertion criteria provided. Collection method: literature only. Allele origin: germline. Not counted in ClinVar's aggregate classification.

Literature cited by the submitters: PubMed 28106320 (cited by Ambry Genetics); PubMed 15282353 (cited by 3 submitters); PubMed 17041932 (cited by 3 submitters); PubMed 18049072 (cited by Victorian Clinical Genetics Services, Murdoch Childrens Research Institute and OMIM); PubMed 20949528 (cited by Victorian Clinical Genetics Services, Murdoch Childrens Research Institute and OMIM); PubMed 1600999 (cited by OMIM); PubMed 15590965 (cited by OMIM); PubMed 4443857 (cited by OMIM); PubMed 12800911 (cited by OMIM); PubMed 4837286 (cited by OMIM); Chen, H., Fowler, M., Hogan, G. R., Lew, D., Herbst, J., Albright, J. Trismus-pseudocamptodactyly syndrome: report of a family and review of literature with special consideration of morphologic features of the muscles. Dysmorph. Clin. Genet. 6: 165-174, 1992. (cited by OMIM).